The following is an entry in ClinVar:

ClinVar aggregate classification (germline): Uncertain significance. Review status: criteria provided, multiple submitters, no conflicts (2 of 4 stars). 2 submissions from 2 submitters: Uncertain significance (2). Last evaluated 2023-11-29.

Conditions:
Inborn genetic diseases. Identifiers: MedGen C0950123, MeSH D030342.

Allele frequency attached by ClinVar (database versions not stated): ExAC 0.00002; gnomAD 0.00006; TOPMed 0.00006.

Submissions (2):

GeneDx
Classification: Uncertain significance. Last evaluated: 2023-11-29. Review status: criteria provided, single submitter. Criteria: GeneDx Variant Classification Process June 2021. Collection method: clinical testing. Allele origin: germline. Affected: yes.
Comment: In silico analysis supports that this missense variant has a deleterious effect on protein structure/function; Has not been previously published as pathogenic or benign to our knowledge

Ambry Genetics
Classification: Uncertain significance for Inborn genetic diseases. Last evaluated: 2021-09-16. Review status: criteria provided, single submitter. Criteria: Ambry Variant Classification Scheme 2023. Collection method: clinical testing. Allele origin: germline.

NM_003054.6(SLC18A2):c.778C>G (p.Leu260Val)

Gene: SLC18A2 (solute carrier family 18 member A2; plus strand). Cytogenetic location: 10q25.3.
Variant type: single nucleotide variant.
Coding change: c.778C>G on transcript NM_003054.6 (MANE Select); coding-DNA position 778, C replaced by G.
Protein change: p.Leu260Val; replaces leucine 260 with valine.
Molecular consequence: missense variant.
Genome position (GRCh38, 1-based): chr10:117,255,354, C>G. VCF-style: chr10-117255354-C-G. GRCh37 (hg19) VCF-style: chr10-119014865-C-G.
Other names: short protein forms L260V.
Identifiers: ClinVar variation 2363688 (VCV002363688.3), dbSNP rs763224426, ClinGen allele CA5710414.
Genomic context (GRCh38, chr10:117,255,354, plus strand): 5'-AGTGTGCTCTATGAGTTTGTGGGGAAGACGGCTCCGTTCCTGGTGCTGGCCGCCCTGGTA[C>G]TCTTGGATGGAGGTGAGTGAGTCCACGTGGGCGCCATGCCATGACCTTGGCATCGTGCTG-3'
Protein context (NP_003045.2, residues 250-270): APFLVLAALV[Leu260Val]LDGAIQLFVL